The following is an entry in ClinVar:

ClinVar aggregate classification (germline): Uncertain significance (1 of 4 stars; one submission).

gnomAD v4.1: 26 of 1,209,619 alleles (0.0021%); highest among the groups gnomAD compares: Non-Finnish European, 0.0027%; no homozygotes.

Submission:

Labcorp Genetics (formerly Invitae), Labcorp
Classification: Uncertain significance. Last evaluated: 2025-03-19. Review status: criteria provided, single submitter. Criteria: Invitae Variant Classification Sherloc (09022015). Collection method: clinical testing. Allele origin: germline.
Comment: This sequence change replaces histidine, which is basic and polar, with tyrosine, which is neutral and polar, at codon 98 of the ZC4H2 protein (p.His98Tyr). This variant is present in population databases (no rsID available, gnomAD 0.003%). This variant has not been reported in the literature in individuals affected with ZC4H2-related conditions. An algorithm developed to predict the effect of missense changes on protein structure and function (PolyPhen-2) suggests that this variant is likely to be tolerated. In summary, the available evidence is currently insufficient to determine the role of this variant in disease. Therefore, it has been classified as a Variant of Uncertain Significance.

NM_018684.4(ZC4H2):c.292C>T (p.His98Tyr)

Gene: ZC4H2 (zinc finger C4H2-type containing; minus strand). Cytogenetic location: Xq11.2.
Variant type: single nucleotide variant.
Coding change: c.292C>T on transcript NM_018684.4 (MANE Select); coding-DNA position 292, C replaced by T.
Protein change: p.His98Tyr; replaces histidine 98 with tyrosine.
Molecular consequence: missense variant. On other transcripts: non-coding transcript variant (1).
Genome position (GRCh38, 1-based): chrX:64,920,187, G>A on the plus strand (C>T on the coding strand, the complement: ZC4H2 is on the minus strand). VCF-style: chrX-64920187-G-A. GRCh37 (hg19) VCF-style: chrX-64140067-G-A.
Other names: c.223C>T, p.His75Tyr (NM_001178032.3, NM_001243804.2); c.292C>T, p.His98Tyr (NM_001178033.3); short protein forms H98Y, H75Y.
Identifiers: ClinVar variation 4703901 (VCV004703901.1).